The following is an entry in ClinVar:

NM_032043.3(BRIP1):c.3234G>A (p.Lys1078=)

Gene: BRIP1 (BRCA1 interacting DNA helicase 1; minus strand). Cytogenetic location: 17q23.2.
Variant type: single nucleotide variant.
Coding change: c.3234G>A on transcript NM_032043.3 (MANE Select); coding-DNA position 3234, G replaced by A.
Protein change: p.Lys1078=; no amino-acid change (lysine 1078 retained).
Molecular consequence: synonymous variant.
Genome position (GRCh38, 1-based): chr17:61,683,812, C>T on the plus strand (G>A on the coding strand, the complement: BRIP1 is on the minus strand). VCF-style: chr17-61683812-C-T. GRCh37 (hg19) VCF-style: chr17-59761173-C-T.
Identifiers: ClinVar variation 231974 (VCV000231974.27), dbSNP rs570238270, ClinGen allele CA8690382.
Genomic context (GRCh38, chr17:61,683,812, plus strand): 5'-GGCTTCTTCAGAACAGAGCGGATGTTCAGAATGATTTTTTCTAGTAAGGGTGGCATCAAT[C>T]TTTAATGATGAAATAATGGTTTCTGATTGAGGGCATGATCCAAACGATGTGTTTACTGTC-3'
Protein context (NP_114432.2, residues 1068-1088): PQSETIISSL[Lys1078=]IDATLTRKNH

ClinVar aggregate classification (germline): Benign/Likely benign. Review status: criteria provided, multiple submitters, no conflicts (2 of 4 stars). 5 submissions from 5 submitters: Benign (1); Likely benign (4). Last evaluated 2025-10-06.

Conditions:
Hereditary cancer-predisposing syndrome. Also called: Neoplastic Syndromes, Hereditary; Hereditary Cancer Syndrome; Tumor predisposition; Hereditary neoplastic syndrome. Identifiers: Orphanet 140162, MedGen C0027672, MeSH D009386, MONDO:0015356.
Fanconi anemia complementation group J. Also called: BRIP1-Related Fanconi Anemia. Identifiers: Orphanet 84, MedGen C1836860, MONDO:0012187, OMIM 609054.
Familial cancer of breast. Also called: Hereditary breast cancer; hereditary breast carcinoma; BREAST CANCER, FAMILIAL. Identifiers: Orphanet 227535, MedGen C0346153, MONDO:0016419, OMIM 114480. Disease mechanism: loss of function.

Allele frequency attached by ClinVar (database versions not stated): gnomAD 0.00001 and 0.00002; TOPMed 0.00001; 1000 Genomes Project 30x 0.00016; 1000 Genomes Project 0.00020.
gnomAD v4.1: 11 of 1,614,164 alleles (0.00068%); highest among the groups gnomAD compares: East Asian, 0.02%; no homozygotes.

Submissions (5):

Labcorp Genetics (formerly Invitae), Labcorp
Classification: Likely benign for Familial cancer of breast; Fanconi anemia complementation group J. Last evaluated: 2025-10-06. Review status: criteria provided, single submitter. Criteria: Invitae Variant Classification Sherloc (09022015). Collection method: clinical testing. Allele origin: germline.

CeGaT Center for Human Genetics Tuebingen
Classification: Likely benign. Last evaluated: 2025-04-01. Review status: criteria provided, single submitter. Criteria: CeGaT Center For Human Genetics Tuebingen Variant Classification Criteria Version 2. Collection method: clinical testing. Allele origin: germline. Affected: yes. Observed: 1 variant allele.
Comment: BRIP1: BP4, BP7

Myriad Genetics, Inc.
Classification: Benign for Familial cancer of breast. Last evaluated: 2024-09-10. Review status: criteria provided, single submitter. Criteria: Myriad Autosomal Dominant, Autosomal Recessive and X-Linked Classification Criteria (2023). Collection method: clinical testing. Allele origin: unknown.
Comment: This variant is considered benign. This variant is a silent/synonymous amino acid change and it is not expected to impact splicing.

Color Diagnostics, LLC DBA Color Health
Classification: Likely benign for Hereditary cancer-predisposing syndrome. Last evaluated: 2015-06-15. Review status: criteria provided, single submitter. Criteria: ACMG Guidelines, 2015. Collection method: clinical testing. Allele origin: germline.

Ambry Genetics
Classification: Likely benign for Hereditary cancer-predisposing syndrome. Last evaluated: 2015-05-25. Review status: criteria provided, single submitter. Criteria: Ambry Variant Classification Scheme 2023. Collection method: clinical testing. Allele origin: germline.